The following is an entry in ClinVar:

NM_016519.6(AMBN):c.950A>C (p.Glu317Ala)

Gene: AMBN (ameloblastin; plus strand). Cytogenetic location: 4q13.3.
Variant type: single nucleotide variant.
Coding change: c.950A>C on transcript NM_016519.6 (MANE Select); coding-DNA position 950, A replaced by C.
Protein change: p.Glu317Ala; replaces glutamic acid 317 with alanine.
Molecular consequence: missense variant.
Genome position (GRCh38, 1-based): chr4:70,606,336, A>C. VCF-style: chr4-70606336-A-C. GRCh37 (hg19) VCF-style: chr4-71472053-A-C.
Other names: short protein forms E317A.
Identifiers: ClinVar variation 738037 (VCV000738037.4), dbSNP rs150017698, ClinGen allele CA2951600.
Genomic context (GRCh38, chr4:70,606,336, plus strand): 5'-CTATGGGCGGTGACTTCACTCTGGAATTTGACTCCCCAGTGGCTGCCACCAAAGGCCCTG[A>C]GAACGAAGAAGGAGGTGCACAAGGCTCCCCTATGCCGGAGGCCAACCCAGACAATCTAGA-3'
Protein context (NP_057603.1, residues 307-327): DSPVAATKGP[Glu317Ala]NEEGGAQGSP

ClinVar aggregate classification (germline): Likely benign. Review status: criteria provided, multiple submitters, no conflicts (2 of 4 stars). 2 submissions from 2 submitters: Likely benign (2). Last evaluated 2025-02-09.

Conditions:
AMBN-related disorder. Also called: AMBN-related condition.

Allele frequency attached by ClinVar (database versions not stated): gnomAD exomes 0.00012 and 0.00035; ExAC 0.00045; gnomAD 0.00133 and 0.00137; TOPMed 0.00145; ESP Exome Variant Server 0.00154; 1000 Genomes Project 0.00280; 1000 Genomes Project 30x 0.00344.
gnomAD v4.1: 387 of 1,614,084 alleles (0.024%); highest among the groups gnomAD compares: African/African-American, 0.47%; 1 homozygote.

Submissions (2):

PreventionGenetics, part of Exact Sciences
Classification: Likely benign for AMBN-related condition. Last evaluated: 2025-02-09. Review status: criteria provided, single submitter. Criteria: ACMG Guidelines, 2015. Collection method: clinical testing. Allele origin: germline.
Comment: This variant is classified as likely benign based on ACMG/AMP sequence variant interpretation guidelines (Richards et al. 2015 PMID: 25741868, with internal and published modifications).

Labcorp Genetics (formerly Invitae), Labcorp
Classification: Likely benign. Last evaluated: 2018-03-29. Review status: criteria provided, single submitter. Criteria: Invitae Variant Classification Sherloc (09022015). Collection method: clinical testing. Allele origin: germline.